The following is an entry in ClinVar:

NM_138477.4(CDAN1):c.1343C>G (p.Ala448Gly)

Gene: CDAN1 (codanin 1; minus strand). Cytogenetic location: 15q15.2.
Variant type: single nucleotide variant.
Coding change: c.1343C>G on transcript NM_138477.4 (MANE Select); coding-DNA position 1343, C replaced by G.
Protein change: p.Ala448Gly; replaces alanine 448 with glycine.
Molecular consequence: missense variant.
Genome position (GRCh38, 1-based): chr15:42,733,962, G>C on the plus strand (C>G on the coding strand, the complement: CDAN1 is on the minus strand). VCF-style: chr15-42733962-G-C. GRCh37 (hg19) VCF-style: chr15-43026160-G-C.
Other names: p.Ala448Gly; short protein forms A448G.
Identifiers: ClinVar variation 4541928 (VCV004541928.1).

ClinVar aggregate classification (germline): Uncertain significance (1 of 4 stars; one submission).

gnomAD v4.1: 3 of 1,613,544 alleles (0.00019%); highest among the groups gnomAD compares: Non-Finnish European, 0.00025%; no homozygotes.

Submission:

Mayo Clinic Laboratories, Mayo Clinic
Classification: Uncertain significance. Last evaluated: 2025-09-22. Review status: criteria provided, single submitter. Criteria: ACMG Guidelines, 2015. Collection method: clinical testing. Allele origin: germline. Observed: 1 variant allele.
Comment: PM2_supporting